The following is an entry in ClinVar:

ClinVar aggregate classification (germline): Pathogenic (1 of 4 stars; one submission).

Conditions:
KDM2A-related neurodevelopmental disorder.

Submission:

Institute of Human Genetics, University of Leipzig Medical Center
Classification: Pathogenic for KDM2A-related neurodevelopmental disorder. Last evaluated: 2025-01-20. Review status: criteria provided, single submitter. Criteria: ACMG Guidelines, 2015. Collection method: research. Allele origin: de novo. Inheritance: Autosomal dominant inheritance. Affected: yes.
Comment: Criteria applied: PVS1, PS2_MOD, PM2

Literature cited by the submitters: DOI 10.1101/2025.03.31.25324695.

NM_012308.3(KDM2A):c.2809_2812dup (p.Cys938Ter)

Gene: KDM2A (lysine demethylase 2A; plus strand). Cytogenetic location: 11q13.2.
Variant type: Duplication.
Coding change: c.2809_2812dup on transcript NM_012308.3 (MANE Select); coding-DNA positions 2809 to 2812, 4 bases duplicated (AGGT; older notation c.2809_2812dupAGGT).
Protein change: p.Cys938Ter; replaces cysteine 938 with a stop codon.
Molecular consequence: nonsense. On other transcripts: non-coding transcript variant (1).
Genome position (GRCh38, 1-based): chr11:67,252,734-67,252,737, AGGT duplicated; duplicating any 4 consecutive bases within chr11:67,252,732-67,252,737 gives the same sequence; the c. name uses the placement nearest the transcript's 3' end. VCF-style (leftmost placement, unchanged base first): chr11-67252731-A-AGTAG. GRCh37 (hg19) VCF-style: chr11-67020202-A-AGTAG.
Other names: c.1492_1495dup, p.Cys499Ter (NM_001256405.2); short protein forms C499*, C938*.
Identifiers: ClinVar variation 3778803 (VCV003778803.1).